The following is an entry in ClinVar:

ClinVar aggregate classification (germline): Benign (1 of 4 stars; one submission).

Allele frequency attached by ClinVar (database versions not stated): gnomAD exomes 0.00247; gnomAD 0.02506 and 0.02670; TOPMed 0.02803; 1000 Genomes Project 0.02975; 1000 Genomes Project 30x 0.03232.
gnomAD v4.1: 7,067 of 1,410,898 alleles (0.5%); highest among the groups gnomAD compares: African/African-American, 8.6%; 329 homozygotes.

Submission:

GeneDx
Classification: Benign. Last evaluated: 2018-06-14. Review status: criteria provided, single submitter. Criteria: GeneDx Variant Classification (06012015). Collection method: clinical testing. Allele origin: germline. Affected: yes.
Comment: This variant is considered likely benign or benign based on one or more of the following criteria: it is a conservative change, it occurs at a poorly conserved position in the protein, it is predicted to be benign by multiple in silico algorithms, and/or has population frequency not consistent with disease.

NM_001844.5(COL2A1):c.3111+73A>C

Gene: COL2A1 (collagen type II alpha 1 chain; minus strand). Cytogenetic location: 12q13.11.
Variant type: single nucleotide variant.
Coding change: c.3111+73A>C on transcript NM_001844.5 (MANE Select); 73 bases into the intron after coding-DNA position 3111, A replaced by C.
Molecular consequence: intron variant.
Genome position (GRCh38, 1-based): chr12:47,977,937, T>G on the plus strand (A>C on the coding strand, the complement: COL2A1 is on the minus strand). VCF-style: chr12-47977937-T-G. GRCh37 (hg19) VCF-style: chr12-48371720-T-G.
Other names: c.2904+73A>C (NM_033150.3).
Identifiers: ClinVar variation 676701 (VCV000676701.1), dbSNP rs56265470, ClinGen allele CA236521467.